The following is an entry in ClinVar:

NM_001080532.3(TMC3):c.3116C>T (p.Thr1039Met)

Genes: TMC3 (transmembrane channel like 3; minus strand), TMC3-AS1 (TMC3 antisense RNA 1; plus strand). Cytogenetic location: 15q25.1.
Variant type: single nucleotide variant.
Coding change: c.3116C>T on transcript NM_001080532.3 (MANE Select); coding-DNA position 3116, C replaced by T.
Protein change: p.Thr1039Met; replaces threonine 1039 with methionine.
Molecular consequence: missense variant.
Genome position (GRCh38, 1-based): chr15:81,332,606, G>A on the plus strand (C>T on the coding strand, the complement: TMC3 is on the minus strand). VCF-style: chr15-81332606-G-A. GRCh37 (hg19) VCF-style: chr15-81624947-G-A.
Other names: short protein forms T1039M.
Identifiers: ClinVar variation 2645635 (VCV002645635.24), dbSNP rs759884779, ClinGen allele CA7696162.

ClinVar aggregate classification (germline): Likely benign (1 of 4 stars; one submission).

Allele frequency attached by ClinVar (database versions not stated): gnomAD 0.00001; gnomAD exomes 0.00002; ExAC 0.00004.
gnomAD v4.1: 32 of 1,613,992 alleles (0.002%); highest among the groups gnomAD compares: Middle Eastern, 0.033%; no homozygotes.

Submission:

CeGaT Center for Human Genetics Tuebingen
Classification: Likely benign. Last evaluated: 2022-06-01. Review status: criteria provided, single submitter. Criteria: CeGaT Center For Human Genetics Tuebingen Variant Classification Criteria Version 2. Collection method: clinical testing. Allele origin: germline. Affected: yes. Observed: 1 variant allele.
Comment: TMC3: BP4